The following is an entry in ClinVar:

ClinVar aggregate classification (germline): Uncertain significance (1 of 4 stars; one submission).

Conditions:
Ullrich congenital muscular dystrophy 2 (UCMD2). Identifiers: Orphanet 75840, MedGen C4225314, MONDO:0014654, OMIM 616470.
Bethlem myopathy 2 (BTHLM2). Identifiers: Orphanet 536516, Orphanet 610, MedGen C4225313, MONDO:0034022, OMIM 616471.

Allele frequency attached by ClinVar (database versions not stated): gnomAD 0.00001; gnomAD exomes 0.00001; TOPMed 0.00001.
gnomAD v4.1: 13 of 1,613,768 alleles (0.00081%); highest among the groups gnomAD compares: Non-Finnish European, 0.001%; no homozygotes.

Submission:

Labcorp Genetics (formerly Invitae), Labcorp
Classification: Uncertain significance for Bethlem myopathy 2; Ullrich congenital muscular dystrophy 2. Last evaluated: 2022-07-23. Review status: criteria provided, single submitter. Criteria: Invitae Variant Classification Sherloc (09022015). Collection method: clinical testing. Allele origin: germline.
Comment: In summary, the available evidence is currently insufficient to determine the role of this variant in disease. Therefore, it has been classified as a Variant of Uncertain Significance. Algorithms developed to predict the effect of missense changes on protein structure and function are either unavailable or do not agree on the potential impact of this missense change (SIFT: "Deleterious"; PolyPhen-2: "Probably Damaging"; Align-GVGD: "Class C0"). ClinVar contains an entry for this variant (Variation ID: 580124). This variant has not been reported in the literature in individuals affected with COL12A1-related conditions. This variant is present in population databases (no rsID available, gnomAD 0.007%). This sequence change replaces lysine, which is basic and polar, with arginine, which is basic and polar, at codon 1302 of the COL12A1 protein (p.Lys1302Arg).

NM_004370.6(COL12A1):c.3905A>G (p.Lys1302Arg)

Gene: COL12A1 (collagen type XII alpha 1 chain; minus strand). Cytogenetic location: 6q13.
Variant type: single nucleotide variant.
Coding change: c.3905A>G on transcript NM_004370.6 (MANE Select); coding-DNA position 3905, A replaced by G.
Protein change: p.Lys1302Arg; replaces lysine 1302 with arginine.
Molecular consequence: missense variant.
Genome position (GRCh38, 1-based): chr6:75,151,962, T>C on the plus strand (A>G on the coding strand, the complement: COL12A1 is on the minus strand). VCF-style: chr6-75151962-T-C. GRCh37 (hg19) VCF-style: chr6-75861678-T-C.
Other names: c.413A>G, p.Lys138Arg (NM_080645.3); short protein forms K1302R, K138R.
Identifiers: ClinVar variation 580124 (VCV000580124.11), dbSNP rs1179021269, ClinGen allele CA364748216.